The following is an entry in ClinVar:

NM_194248.3(OTOF):c.2896A>G (p.Met966Val)

Gene: OTOF (otoferlin; minus strand). Cytogenetic location: 2p23.3.
Variant type: single nucleotide variant.
Coding change: c.2896A>G on transcript NM_194248.3 (MANE Select); coding-DNA position 2896, A replaced by G.
Protein change: p.Met966Val; replaces methionine 966 with valine.
Molecular consequence: missense variant.
Genome position (GRCh38, 1-based): chr2:26,476,009, T>C on the plus strand (A>G on the coding strand, the complement: OTOF is on the minus strand). VCF-style: chr2-26476009-T-C. GRCh37 (hg19) VCF-style: chr2-26698877-T-C.
Other names: c.2896A>G, p.Met966Val (NM_001287489.2); c.655A>G, p.Met219Val (NM_004802.4, NM_194323.3); c.826A>G, p.Met276Val (NM_194322.3); short protein forms M966V, M219V, M276V.
Identifiers: ClinVar variation 517485 (VCV000517485.5), dbSNP rs921891243, ClinGen allele CA44397849.
Genomic context (GRCh38, chr2:26,476,009, plus strand): 5'-GGGCAAAGGGGTCTGAGAGTCCGCTGCTGTCGGCGGCAAAGAGGCTGCGGGCCTGGTACA[T>C]GTGCGCTCGGAGCTGGAACGCCTGCTTCTCTGTGGGGAAGGGCAGCCTGAGGTTCCAGGA-3'
Protein context (NP_919224.1, residues 956-976): KKQAFQLRAH[Met966Val]YQARSLFAAD

ClinVar aggregate classification (germline): Uncertain significance (1 of 4 stars; one submission).

Allele frequency attached by ClinVar (database versions not stated): TOPMed 0.00003.
gnomAD v4.1: 1 of 1,612,608 alleles (0.000062%); highest among the groups gnomAD compares: Non-Finnish European, 0.000085%; no homozygotes.

Submission:

Laboratory for Molecular Medicine, Mass General Brigham Personalized Medicine
Classification: Uncertain significance. Last evaluated: 2017-07-13. Review status: criteria provided, single submitter. Criteria: LMM Criteria. Collection method: clinical testing. Allele origin: germline. Observed: 1 variant allele.
Comment: The p.Met966Val variant in OTOF has not been previously reported in individuals with hearing loss and was absent from large population studies. Computational pr ediction tools and conservation analyses do not provide strong support for or ag ainst an impact to the protein. In summary, the clinical significance of the p.M et966Val variant is uncertain.